The following is an entry in ClinVar:

ClinVar aggregate classification (germline): Uncertain significance (1 of 4 stars; one submission).

Conditions:
Peroxisome biogenesis disorder 2B (PBD2B). Identifiers: Orphanet 44, MedGen C3550234, MONDO:0008736, OMIM 202370.

Submission:

Labcorp Genetics (formerly Invitae), Labcorp
Classification: Uncertain significance for Peroxisome biogenesis disorder 2B. Last evaluated: 2022-11-08. Review status: criteria provided, single submitter. Criteria: Invitae Variant Classification Sherloc (09022015). Collection method: clinical testing. Allele origin: germline.
Comment: In summary, the available evidence is currently insufficient to determine the role of this variant in disease. Therefore, it has been classified as a Variant of Uncertain Significance. Algorithms developed to predict the effect of missense changes on protein structure and function (SIFT, PolyPhen-2, Align-GVGD) all suggest that this variant is likely to be tolerated. This variant has not been reported in the literature in individuals affected with PEX5-related conditions. This variant is not present in population databases (gnomAD no frequency). This sequence change replaces proline, which is neutral and non-polar, with arginine, which is basic and polar, at codon 42 of the PEX5 protein (p.Pro42Arg).

NM_001351132.2(PEX5):c.125C>G (p.Pro42Arg)

Gene: PEX5 (peroxisomal biogenesis factor 5; plus strand). Cytogenetic location: 12p13.31.
Variant type: single nucleotide variant.
Coding change: c.125C>G on transcript NM_001351132.2 (MANE Select); coding-DNA position 125, C replaced by G.
Protein change: p.Pro42Arg; replaces proline 42 with arginine.
Molecular consequence: missense variant.
Genome position (GRCh38, 1-based): chr12:7,190,502, C>G. VCF-style: chr12-7190502-C-G. GRCh37 (hg19) VCF-style: chr12-7343098-C-G.
Other names: c.125C>G, p.Pro42Arg (NM_000319.5, NM_001131023.2, NM_001131024.2 and 22 more transcripts); short protein forms P42R.
Identifiers: ClinVar variation 1955982 (VCV001955982.5), dbSNP rs2539801040, ClinGen allele CA383708133.